The following is an entry in ClinVar:

ClinVar aggregate classification (germline): Uncertain significance (1 of 4 stars; one submission).

Conditions:
Familial cold autoinflammatory syndrome 3 (FCAS3). Also called: FAMILIAL ATYPICAL COLD URTICARIA; ANTIBODY DEFICIENCY AND IMMUNE DYSREGULATION, PLCG2-ASSOCIATED. Identifiers: Orphanet 300359, MedGen C3280914, MONDO:0013766, OMIM 614468.

Submission:

Labcorp Genetics (formerly Invitae), Labcorp
Classification: Uncertain significance for Familial cold autoinflammatory syndrome 3. Last evaluated: 2023-09-29. Review status: criteria provided, single submitter. Criteria: Invitae Variant Classification Sherloc (09022015). Collection method: clinical testing. Allele origin: germline.
Comment: This sequence change replaces glycine, which is neutral and non-polar, with tryptophan, which is neutral and slightly polar, at codon 555 of the PLCG2 protein (p.Gly555Trp). This variant is not present in population databases (gnomAD no frequency). This variant has not been reported in the literature in individuals affected with PLCG2-related conditions. An algorithm developed to predict the effect of missense changes on protein structure and function (PolyPhen-2) suggests that this variant is likely to be disruptive. In summary, the available evidence is currently insufficient to determine the role of this variant in disease. Therefore, it has been classified as a Variant of Uncertain Significance.

NM_002661.5(PLCG2):c.1663G>T (p.Gly555Trp)

Gene: PLCG2 (phospholipase C gamma 2; plus strand). Cytogenetic location: 16q23.3.
Variant type: single nucleotide variant.
Coding change: c.1663G>T on transcript NM_002661.5 (MANE Select); coding-DNA position 1663, G replaced by T.
Protein change: p.Gly555Trp; replaces glycine 555 with tryptophan.
Molecular consequence: missense variant.
Genome position (GRCh38, 1-based): chr16:81,908,521, G>T. VCF-style: chr16-81908521-G-T. GRCh37 (hg19) VCF-style: chr16-81942126-G-T.
Other names: c.1663G>T, p.Gly555Trp (NM_001425749.1, NM_001425750.1, NM_001425751.1); short protein forms G555W.
Identifiers: ClinVar variation 2764443 (VCV002764443.3), dbSNP rs756467302, ClinGen allele CA396900276.